The following is an entry in ClinVar:

ClinVar aggregate classification (germline): Benign. Review status: criteria provided, multiple submitters, no conflicts (2 of 4 stars). 2 submissions from 2 submitters: Benign (2). Last evaluated 2018-06-14.

Allele frequency attached by ClinVar (database versions not stated): gnomAD 0.04906 and 0.05303; 1000 Genomes Project 0.05212; 1000 Genomes Project 30x 0.05497; TOPMed 0.05682.
gnomAD v4.1: 11,611 of 741,240 alleles (1.6%); highest among the groups gnomAD compares: African/African-American, 17%; 870 homozygotes.

Submissions (2):

GeneDx
Classification: Benign. Last evaluated: 2018-06-14. Review status: criteria provided, single submitter. Criteria: GeneDx Variant Classification (06012015). Collection method: clinical testing. Allele origin: germline. Affected: yes.
Comment: This variant is considered likely benign or benign based on one or more of the following criteria: it is a conservative change, it occurs at a poorly conserved position in the protein, it is predicted to be benign by multiple in silico algorithms, and/or has population frequency not consistent with disease.

Breakthrough Genomics
Classification: Benign. Review status: criteria provided, single submitter. Criteria: ACMG Guidelines, 2015. Collection method: not provided. Allele origin: germline. Inheritance: Autosomal dominant inheritance. Affected: yes.

NM_005188.4(CBL):c.2252-152T>C

Gene: CBL (Cbl proto-oncogene; plus strand). Cytogenetic location: 11q23.3.
Variant type: single nucleotide variant.
Coding change: c.2252-152T>C on transcript NM_005188.4 (MANE Select); 152 bases into the intron before coding-DNA position 2252, T replaced by C.
Molecular consequence: intron variant.
Genome position (GRCh38, 1-based): chr11:119,298,206, T>C. VCF-style: chr11-119298206-T-C. GRCh37 (hg19) VCF-style: chr11-119168916-T-C.
Identifiers: ClinVar variation 561630 (VCV000561630.2), dbSNP rs2511858, ClinGen allele CA229650635.